The following is an entry in ClinVar:

NM_000424.4(KRT5):c.1635del (p.Leu546fs)

Gene: KRT5 (keratin 5; minus strand). Cytogenetic location: 12q13.13.
Variant type: Deletion.
Coding change: c.1635del on transcript NM_000424.4 (MANE Select); coding-DNA position 1635, one base deleted (G; older notation c.1635delG).
Protein change: p.Leu546fs; shifts the reading frame from leucine 546.
Molecular consequence: frameshift variant.
Genome position (GRCh38, 1-based): chr12:52,515,080, C deleted on the plus strand (G on the coding strand, the reverse complement: KRT5 is on the minus strand); the first of 3 consecutive C bases (chr12:52,515,080-52,515,082); deleting any one gives the same sequence. VCF-style (leftmost placement, unchanged base first): chr12-52515079-GC-G. GRCh37 (hg19) VCF-style: chr12-52908863-GC-G.
Other names: c.1635_1635delG (NM_000424.3); short protein forms L546fs.
Identifiers: ClinVar variation 66225 (VCV000066225.3), dbSNP rs57187183, ClinGen allele CA216689.

ClinVar aggregate classification (germline): Pathogenic. Review status: no assertion criteria provided (0 of 4 stars). 3 submissions from 2 submitters: Pathogenic (1). 2 of the submissions do not count toward it. Last evaluated 2003-04-01.

Conditions:
Epidermolysis bullosa simplex 2C, localized (EBS2C). Also called: Epidermolysis bullosa simplex 2C, Weber-Cockayne type. Identifiers: MedGen C5562011, MONDO:0030527, OMIM 619594.

Submissions (3):

OMIM
Classification: Pathogenic for EPIDERMOLYSIS BULLOSA SIMPLEX 2C, LOCALIZED. Last evaluated: 2003-04-01. Review status: no assertion criteria provided. Collection method: literature only. Allele origin: germline.

Epithelial Biology;  Institute of Medical Biology, Singapore
No classification provided. Review status: no classification provided. Collection method: not provided. Allele origin: not provided. Not counted in ClinVar's aggregate classification.

Epithelial Biology;  Institute of Medical Biology, Singapore
No classification provided. Review status: flagged submission. Collection method: not provided. Allele origin: not provided. Not counted in ClinVar's aggregate classification.
ClinVar note: Reason: This record appears to be redundant with a more recent record from the same submitter.
ClinVar note: Notes: SCV000087687 appears to be redundant with SCV000087688.

Literature cited by the submitters: PubMed 12648226 (cited by OMIM).